The following is an entry in ClinVar:

NM_001378454.1(ALMS1):c.7675-13_7675-10del

Gene: ALMS1 (ALMS1 centrosome and basal body associated protein; plus strand). Cytogenetic location: 2p13.1.
Variant type: Microsatellite.
Coding change: c.7675-13_7675-10del on transcript NM_001378454.1 (MANE Select); 13 bases into the intron before coding-DNA position 7675 through 10 bases into the intron before coding-DNA position 7675, 4 bases deleted (TTGT; older notation c.7675-13_7675-10delTTGT).
Molecular consequence: intron variant.
Genome position (GRCh38, 1-based): chr2:73,489,621-73,489,624, TTGT deleted; deleting any 4 consecutive bases within chr2:73,489,614-73,489,624 gives the same sequence; the c. name uses the placement nearest the transcript's 3' end. VCF-style (leftmost placement, unchanged base first): chr2-73489613-CTGTT-C. GRCh37 (hg19) VCF-style: chr2-73716740-CTGTT-C.
Other names: NC_000002.11:g.73716748_73716751del; c.7675-13_7675-10del (NM_015120.4); c.7678-13_7678-10delTTGT (NM_015120.4).
Identifiers: ClinVar variation 2506349 (VCV002506349.5), dbSNP rs780902654, ClinGen allele CA1714314.
Genomic context (GRCh38, chr2:73,489,613, plus strand): 5'-AAAACTGATTTGTATAAAACTGATTTGTTTATAACTACTTGGACTACTTCAAATAAGAAC[CTGTT>C]TGTTTGTATCTTCTAGGGTTTACAGAGTCCACGGGGAATGGGATGCAAGCCAGAAGCTGT-3'

ClinVar aggregate classification (germline): Conflicting classifications of pathogenicity. Review status: criteria provided, conflicting classifications (1 of 4 stars). 2 submissions from 2 submitters: Uncertain significance (1); Likely benign (1). Last evaluated 2024-09-16.

Conditions:
Alstrom syndrome (ALMS). Identifiers: Orphanet 64, MedGen C0268425, MONDO:0008763, OMIM 203800.

Submissions (3):

Labcorp Genetics (formerly Invitae), Labcorp
Classification: Likely benign for Alstrom syndrome. Last evaluated: 2024-09-16. Review status: criteria provided, single submitter. Criteria: Invitae Variant Classification Sherloc (09022015). Collection method: clinical testing. Allele origin: germline.

Women's Health and Genetics/Laboratory Corporation of America, LabCorp
Classification: Uncertain significance. Last evaluated: 2023-05-15. Review status: criteria provided, single submitter. Criteria: LabCorp Variant Classification Summary - May 2015. Collection method: clinical testing. Allele origin: germline.
Comment: Variant summary: ALMS1 c.7672-13_7672-10delTTGT alters a nucleotide located close to a canonical splice site and therefore could affect mRNA splicing, leading to a significantly altered protein sequence. 4/4 computational tools predict no significant impact on normal splicing. However, these predictions have yet to be confirmed by functional studies. The variant allele was found at a frequency of 8e-06 in 249232 control chromosomes. The available data on variant occurrences in the general population are insufficient to allow any conclusion about variant significance. To our knowledge, no occurrence of c.7672-13_7672-10delTTGT in individuals affected with Alstrom Syndrome With Dilated Cardiomyopathy and no experimental evidence demonstrating its impact on protein function have been reported. No clinical diagnostic laboratories have submitted clinical-significance assessments for this variant to ClinVar after 2014. Based on the evidence outlined above, the variant was classified as uncertain significance.

Dr. Peter K. Rogan Lab, Western University
No classification provided (evidence only). Condition: Glioma susceptibility 1. Review status: no classification provided. Collection method: in vitro. Allele origin: not applicable. Functional consequence: retained intron. Not counted in ClinVar's aggregate classification.